The following is an entry in ClinVar:

NM_000293.3(PHKB):c.870+7C>A

Gene: PHKB (phosphorylase kinase regulatory subunit beta; plus strand). Cytogenetic location: 16q12.1.
Variant type: single nucleotide variant.
Coding change: c.870+7C>A on transcript NM_000293.3 (MANE Select); 7 bases into the intron after coding-DNA position 870, C replaced by A.
Molecular consequence: intron variant.
Genome position (GRCh38, 1-based): chr16:47,587,770, C>A. VCF-style: chr16-47587770-C-A. GRCh37 (hg19) VCF-style: chr16-47621681-C-A.
Other names: c.870+7C>A (NM_001363837.1); c.849+7C>A (NM_001031835.3).
Identifiers: ClinVar variation 4056720 (VCV004056720.1).

ClinVar aggregate classification (germline): Uncertain significance (1 of 4 stars; one submission).

Conditions:
Glycogen storage disease IXb (GSD9B). Also called: GLYCOGENOSIS OF LIVER AND MUSCLE, AUTOSOMAL RECESSIVE; GSD IXb; PHOSPHORYLASE KINASE DEFICIENCY OF LIVER AND MUSCLE, AUTOSOMAL RECESSIVE. Identifiers: Orphanet 79240, MedGen C0543514, MONDO:0009868, OMIM 261750.

Submission:

Laboratorio de Genetica e Diagnostico Molecular, Hospital Israelita Albert Einstein
Classification: Uncertain significance for Glycogen storage disease IXb. Last evaluated: 2025-05-04. Review status: criteria provided, single submitter. Criteria: ACMG Guidelines, 2015. Collection method: clinical testing. Allele origin: germline. Affected: yes.
Comment: ACMG classification criteria: PM2 supporting, BP4 supporting